The following is an entry in ClinVar:

ClinVar aggregate classification (germline): Uncertain significance (1 of 4 stars; one submission).

Conditions:
Cardiovascular phenotype. Identifiers: MedGen CN230736.

Submission:

Ambry Genetics
Classification: Uncertain significance for Cardiovascular phenotype. Last evaluated: 2026-03-29. Review status: criteria provided, single submitter. Criteria: Ambry Variant Classification Scheme 2023. Collection method: clinical testing. Allele origin: germline.
Comment: The p.E115D variant (also known as c.345A>C), located in coding exon 1 of the GDF2 gene, results from an A to C substitution at nucleotide position 345. The glutamic acid at codon 115 is replaced by aspartic acid, an amino acid with highly similar properties. This amino acid position is conserved. Based on the available evidence, the clinical significance of this variant remains unclear.

NM_016204.4(GDF2):c.345A>C (p.Glu115Asp)

Gene: GDF2 (growth differentiation factor 2; plus strand). Cytogenetic location: 10q11.22.
Variant type: single nucleotide variant.
Coding change: c.345A>C on transcript NM_016204.4 (MANE Select); coding-DNA position 345, A replaced by C.
Protein change: p.Glu115Asp; replaces glutamic acid 115 with aspartic acid.
Molecular consequence: missense variant.
Genome position (GRCh38, 1-based): chr10:47,323,013, A>C. VCF-style: chr10-47323013-A-C. GRCh37 (hg19) VCF-style: chr10-48416349-T-G.
Other names: short protein forms E115D.
Identifiers: ClinVar variation 4857919 (VCV004857919.1).